The following is an entry in ClinVar:

NM_003070.5(SMARCA2):c.4395C>T (p.Gly1465=)

Gene: SMARCA2 (SWI/SNF related BAF chromatin remodeling complex subunit ATPase 2; plus strand). Cytogenetic location: 9p24.3.
Variant type: single nucleotide variant.
Coding change: c.4395C>T on transcript NM_003070.5 (MANE Select); coding-DNA position 4395, C replaced by T.
Protein change: p.Gly1465=; no amino-acid change (glycine 1465 retained).
Molecular consequence: synonymous variant.
Genome position (GRCh38, 1-based): chr9:2,182,176, C>T. VCF-style: chr9-2182176-C-T. GRCh37 (hg19) VCF-style: chr9-2182176-C-T.
Other names: c.4395C>T, p.Gly1465= (NM_001289396.2); c.4167C>T, p.Gly1389= (NM_001289397.2); c.369C>T, p.Gly123= (NM_001289398.2); c.453C>T, p.Gly151= (NM_001289399.2); c.459C>T, p.Gly153= (NM_001289400.2); c.4341C>T, p.Gly1447= (NM_139045.4); c.4395C>T (NM_003070.4).
Identifiers: ClinVar variation 4703761 (VCV004703761.2).

ClinVar aggregate classification (germline): Likely benign. Review status: criteria provided, multiple submitters, no conflicts (2 of 4 stars). 2 submissions from 2 submitters: Likely benign (2). Last evaluated 2025-12-16.

Conditions:
SMARCA2-related disorder. Also called: SMARCA2-related condition.

gnomAD v4.1: 29 of 1,613,036 alleles (0.0018%); highest among the groups gnomAD compares: East Asian, 0.02%; no homozygotes.

Submissions (2):

Labcorp Genetics (formerly Invitae), Labcorp
Classification: Likely benign. Last evaluated: 2025-12-16. Review status: criteria provided, single submitter. Criteria: Invitae Variant Classification Sherloc (09022015). Collection method: clinical testing. Allele origin: germline.

PreventionGenetics, part of Exact Sciences
Classification: Likely benign for SMARCA2-related condition. Last evaluated: 2025-08-31. Review status: criteria provided, single submitter. Criteria: ACMG Guidelines, 2015. Collection method: clinical testing. Allele origin: germline.
Comment: This variant is classified as likely benign based on ACMG/AMP sequence variant interpretation guidelines (Richards et al. 2015 PMID: 25741868, with internal and published modifications).